The following is an entry in ClinVar:

NM_004304.5(ALK):c.1152T>G (p.His384Gln)

Gene: ALK (ALK receptor tyrosine kinase; minus strand). Cytogenetic location: 2p23.2.
Variant type: single nucleotide variant.
Coding change: c.1152T>G on transcript NM_004304.5 (MANE Select); coding-DNA position 1152, T replaced by G.
Protein change: p.His384Gln; replaces histidine 384 with glutamine.
Molecular consequence: missense variant.
Genome position (GRCh38, 1-based): chr2:29,531,917, A>C on the plus strand (T>G on the coding strand, the complement: ALK is on the minus strand). VCF-style: chr2-29531917-A-C. GRCh37 (hg19) VCF-style: chr2-29754783-A-C.
Other names: short protein forms H384Q.
Identifiers: ClinVar variation 4870434 (VCV004870434.1).

ClinVar aggregate classification (germline): Uncertain significance (1 of 4 stars; one submission).

Conditions:
Hereditary cancer-predisposing syndrome. Also called: Neoplastic Syndromes, Hereditary; Tumor predisposition; Hereditary Cancer Syndrome; Hereditary neoplastic syndrome. Identifiers: Orphanet 140162, MedGen C0027672, MeSH D009386, MONDO:0015356.

Submission:

Ambry Genetics
Classification: Uncertain significance for Hereditary cancer-predisposing syndrome. Last evaluated: 2026-05-24. Review status: criteria provided, single submitter. Criteria: Ambry Variant Classification Scheme 2023. Collection method: clinical testing. Allele origin: germline.
Comment: The p.H384Q variant (also known as c.1152T>G), located in coding exon 4 of the ALK gene, results from a T to G substitution at nucleotide position 1152. The histidine at codon 384 is replaced by glutamine, an amino acid with highly similar properties. This amino acid position is conserved. In addition, this alteration is predicted to be tolerated by in silico analysis. Based on the available evidence, the clinical significance of this variant remains unclear.